The following is an entry in ClinVar:

NM_016604.4(KDM3B):c.4699G>A (p.Val1567Ile)

Gene: KDM3B (lysine demethylase 3B; plus strand). Cytogenetic location: 5q31.2.
Variant type: single nucleotide variant.
Coding change: c.4699G>A on transcript NM_016604.4 (MANE Select); coding-DNA position 4699, G replaced by A.
Protein change: p.Val1567Ile; replaces valine 1567 with isoleucine.
Molecular consequence: missense variant.
Genome position (GRCh38, 1-based): chr5:138,428,032, G>A. VCF-style: chr5-138428032-G-A. GRCh37 (hg19) VCF-style: chr5-137763721-G-A.
Other names: short protein forms V1567I.
Identifiers: ClinVar variation 4686319 (VCV004686319.1).

ClinVar aggregate classification (germline): Uncertain significance (1 of 4 stars; one submission).

Submission:

GeneDx
Classification: Uncertain significance. Last evaluated: 2025-07-16. Review status: criteria provided, single submitter. Criteria: GeneDx Variant Classification Process June 2021. Collection method: clinical testing. Allele origin: germline. Affected: yes.
Comment: Not observed at significant frequency in large population cohorts (gnomAD); In silico analysis suggests that this missense variant does not alter protein structure/function; Has not been previously published as pathogenic or benign to our knowledge